The following is an entry in ClinVar:

NM_001131016.2(CIZ1):c.728G>A (p.Arg243His)

Gene: CIZ1 (CDKN1A interacting zinc finger protein 1; minus strand). Cytogenetic location: 9q34.11.
Variant type: single nucleotide variant.
Coding change: c.728G>A on transcript NM_001131016.2 (MANE Select); coding-DNA position 728, G replaced by A.
Protein change: p.Arg243His; replaces arginine 243 with histidine.
Molecular consequence: missense variant.
Genome position (GRCh38, 1-based): chr9:128,180,478, C>T on the plus strand (G>A on the coding strand, the complement: CIZ1 is on the minus strand). VCF-style: chr9-128180478-C-T. GRCh37 (hg19) VCF-style: chr9-130942757-C-T.
Other names: c.713G>A, p.Arg238His (NM_001131017.2); c.656G>A, p.Arg219His (NM_001131018.2); c.818G>A, p.Arg273His (NM_001257975.2); c.425G>A, p.Arg142His (NM_001257976.2); c.728G>A, p.Arg243His (NM_012127.3, NM_001131015.2); short protein forms R273H, R142H, R219H, R238H, R243H.
Identifiers: ClinVar variation 1372577 (VCV001372577.8), dbSNP rs369880398, ClinGen allele CA5257476.

ClinVar aggregate classification (germline): Uncertain significance (1 of 4 stars; one submission).

Conditions:
Dystonic disorder. Also called: Dystonia. Identifiers: MedGen C0013421, MONDO:0003441, HP:0001332.

Allele frequency attached by ClinVar (database versions not stated): ExAC 0.00002; gnomAD exomes 0.00002; gnomAD 0.00005 and 0.00006; TOPMed 0.00005; ESP Exome Variant Server 0.00008.
gnomAD v4.1: 19 of 1,614,004 alleles (0.0012%); highest among the groups gnomAD compares: African/African-American, 0.008%; no homozygotes.

Submission:

Labcorp Genetics (formerly Invitae), Labcorp
Classification: Uncertain significance for Dystonic disorder. Last evaluated: 2024-03-08. Review status: criteria provided, single submitter. Criteria: Invitae Variant Classification Sherloc (09022015). Collection method: clinical testing. Allele origin: germline.
Comment: This sequence change replaces arginine, which is basic and polar, with histidine, which is basic and polar, at codon 243 of the CIZ1 protein (p.Arg243His). This variant is present in population databases (rs369880398, gnomAD 0.008%). This variant has not been reported in the literature in individuals affected with CIZ1-related conditions. ClinVar contains an entry for this variant (Variation ID: 1372577). Algorithms developed to predict the effect of missense changes on protein structure and function output the following: SIFT: "Not Available"; PolyPhen-2: "Benign"; Align-GVGD: "Not Available". The histidine amino acid residue is found in multiple mammalian species, which suggests that this missense change does not adversely affect protein function. In summary, the available evidence is currently insufficient to determine the role of this variant in disease. Therefore, it has been classified as a Variant of Uncertain Significance.